The following is an entry in ClinVar:

NM_032444.4(SLX4):c.5057C>T (p.Ala1686Val)

Gene: SLX4 (SLX4 structure-specific endonuclease subunit; minus strand). Cytogenetic location: 16p13.3.
Variant type: single nucleotide variant.
Coding change: c.5057C>T on transcript NM_032444.4 (MANE Select); coding-DNA position 5057, C replaced by T.
Protein change: p.Ala1686Val; replaces alanine 1686 with valine.
Molecular consequence: missense variant.
Genome position (GRCh38, 1-based): chr16:3,583,193, G>A on the plus strand (C>T on the coding strand, the complement: SLX4 is on the minus strand). VCF-style: chr16-3583193-G-A. GRCh37 (hg19) VCF-style: chr16-3633194-G-A.
Other names: short protein forms A1686V.
Identifiers: ClinVar variation 2701996 (VCV002701996.3), dbSNP rs2151116571, ClinGen allele CA394514651.
Genomic context (GRCh38, chr16:3,583,193, plus strand): 5'-GAGGTGGCCACGGATTCTTGAGAGGCTGGGATCTGGGCGTCATCATTGAGGCCTGGAGGT[G>A]CCTCCTTGGTGGGCGACCTGCTTGGGGGTGTGATGCTTTCATGATGCTTCCTTTGATGTC-3'
Protein context (NP_115820.2, residues 1676-1696): TPPSRSPTKE[Ala1686Val]PPGLNDDAQI

ClinVar aggregate classification (germline): Uncertain significance (1 of 4 stars; one submission).

Conditions:
Fanconi anemia (FA). Also called: Fanconi's anemia. Identifiers: Orphanet 84, MedGen C0015625, MeSH D005199, MONDO:0019391.

Submission:

Labcorp Genetics (formerly Invitae), Labcorp
Classification: Uncertain significance for Fanconi anemia. Last evaluated: 2023-12-10. Review status: criteria provided, single submitter. Criteria: Invitae Variant Classification Sherloc (09022015). Collection method: clinical testing. Allele origin: germline.
Comment: This sequence change replaces alanine, which is neutral and non-polar, with valine, which is neutral and non-polar, at codon 1686 of the SLX4 protein (p.Ala1686Val). This variant is not present in population databases (gnomAD no frequency). This variant has not been reported in the literature in individuals affected with SLX4-related conditions. Algorithms developed to predict the effect of missense changes on protein structure and function output the following: SIFT: "Not Available"; PolyPhen-2: "Benign"; Align-GVGD: "Not Available". The valine amino acid residue is found in multiple mammalian species, which suggests that this missense change does not adversely affect protein function. In summary, the available evidence is currently insufficient to determine the role of this variant in disease. Therefore, it has been classified as a Variant of Uncertain Significance.